The following is an entry in ClinVar:

NM_001378183.1(PIEZO2):c.2695_2696del (p.Ala899fs)

Gene: PIEZO2 (piezo type mechanosensitive ion channel component 2; minus strand). Cytogenetic location: 18p11.22.
Variant type: Deletion.
Coding change: c.2695_2696del on transcript NM_001378183.1 (MANE Select); coding-DNA positions 2695 to 2696, 2 bases deleted (GC; older notation c.2695_2696delGC).
Protein change: p.Ala899fs; shifts the reading frame from alanine 899.
Molecular consequence: frameshift variant.
Genome position (GRCh38, 1-based): chr18:10,773,501-10,773,502, GC deleted on the plus strand (GC on the coding strand, the reverse complement: PIEZO2 is on the minus strand). VCF-style (leftmost placement, unchanged base first): chr18-10773500-GGC-G. GRCh37 (hg19) VCF-style: chr18-10773498-GGC-G.
Other names: c.2695_2696del, p.Ala899fs (NM_001410871.1); c.2620_2621del, p.Ala874fs (NM_022068.4); c.2620_2621delGC (NM_022068.4); short protein forms A874fs, A899fs.
Identifiers: ClinVar variation 4688874 (VCV004688874.1).

ClinVar aggregate classification (germline): Pathogenic (1 of 4 stars; one submission).

Conditions:
Arthrogryposis, distal, with impaired proprioception and touch (DAIPT). Identifiers: MedGen C4310692, MONDO:0014941, OMIM 617146.

Submission:

Women's Health and Genetics/Laboratory Corporation of America, LabCorp
Classification: Pathogenic for Arthrogryposis, distal, with impaired proprioception and touch. Last evaluated: 2025-12-23. Review status: criteria provided, single submitter. Criteria: LabCorp Variant Classification Summary - May 2015. Collection method: clinical testing. Allele origin: germline.
Comment: Variant summary: PIEZO2 c.2620_2621delGC (p.Ala874ProfsX4) results in a premature termination codon, predicted to cause absence of the protein due to nonsense mediated decay, which is a commonly known mechanism for disease. The variant was absent in 145226 control chromosomes. To our knowledge, no occurrence of c.2620_2621delGC in individuals affected with PIEZO2-related conditions and no experimental evidence demonstrating its impact on protein function have been reported. No submitters have cited clinical-significance assessments for this variant to ClinVar. To our knowledge, this variant has not been reported in individuals with DA5 or DA3. Based on the evidence outlined above, the variant was classified as pathogenic for AR distal arthrogryposis with impaired proprioception and touch.